The following is an entry in ClinVar:

NM_025009.5(CEP135):c.3347G>A (p.Arg1116Gln)

Gene: CEP135 (centrosomal protein 135; plus strand). Cytogenetic location: 4q12.
Variant type: single nucleotide variant.
Coding change: c.3347G>A on transcript NM_025009.5 (MANE Select); coding-DNA position 3347, G replaced by A.
Protein change: p.Arg1116Gln; replaces arginine 1116 with glutamine.
Molecular consequence: missense variant.
Genome position (GRCh38, 1-based): chr4:56,024,527, G>A. VCF-style: chr4-56024527-G-A. GRCh37 (hg19) VCF-style: chr4-56890693-G-A.
Other names: c.3347G>A (NM_025009.3); short protein forms R1116Q.
Identifiers: ClinVar variation 1490806 (VCV001490806.7), dbSNP rs191813321, ClinGen allele CA2928410.

ClinVar aggregate classification (germline): Uncertain significance. Review status: criteria provided, multiple submitters, no conflicts (2 of 4 stars). 2 submissions from 2 submitters: Uncertain significance (2). Last evaluated 2025-12-08.

Conditions:
Inborn genetic diseases. Identifiers: MedGen C0950123, MeSH D030342.

Allele frequency attached by ClinVar (database versions not stated): TOPMed 0.00001; gnomAD 0.00002; 1000 Genomes Project 0.00060; 1000 Genomes Project 30x 0.00078.
gnomAD v4.1: 26 of 1,613,586 alleles (0.0016%); highest among the groups gnomAD compares: Admixed American, 0.03%; no homozygotes.

Submissions (2):

Ambry Genetics
Classification: Uncertain significance for Inborn genetic diseases. Last evaluated: 2025-12-08. Review status: criteria provided, single submitter. Criteria: Ambry Variant Classification Scheme 2023. Collection method: clinical testing. Allele origin: germline.

Labcorp Genetics (formerly Invitae), Labcorp
Classification: Uncertain significance. Last evaluated: 2022-07-06. Review status: criteria provided, single submitter. Criteria: Invitae Variant Classification Sherloc (09022015). Collection method: clinical testing. Allele origin: germline.
Comment: This sequence change replaces arginine, which is basic and polar, with glutamine, which is neutral and polar, at codon 1116 of the CEP135 protein (p.Arg1116Gln). This variant is present in population databases (rs191813321, gnomAD 0.009%). This variant has not been reported in the literature in individuals affected with CEP135-related conditions. ClinVar contains an entry for this variant (Variation ID: 1490806). Algorithms developed to predict the effect of missense changes on protein structure and function are either unavailable or do not agree on the potential impact of this missense change (SIFT: "Deleterious"; PolyPhen-2: "Benign"; Align-GVGD: "Class C0"). In summary, the available evidence is currently insufficient to determine the role of this variant in disease. Therefore, it has been classified as a Variant of Uncertain Significance.